The following is an entry in ClinVar:

NM_000360.4(TH):c.862C>T (p.Arg288Trp)

Gene: TH (tyrosine hydroxylase; minus strand). Cytogenetic location: 11p15.5.
Variant type: single nucleotide variant.
Coding change: c.862C>T on transcript NM_000360.4 (MANE Select); coding-DNA position 862, C replaced by T.
Protein change: p.Arg288Trp; replaces arginine 288 with tryptophan.
Molecular consequence: missense variant.
Genome position (GRCh38, 1-based): chr11:2,166,748, G>A on the plus strand (C>T on the coding strand, the complement: TH is on the minus strand). VCF-style: chr11-2166748-G-A. GRCh37 (hg19) VCF-style: chr11-2187978-G-A.
Other names: c.955C>T, p.Arg319Trp (NM_199292.3); c.943C>T, p.Arg315Trp (NM_199293.3); short protein forms R319W, R315W, R288W.
Identifiers: ClinVar variation 2170295 (VCV002170295.1), dbSNP rs773399254, ClinGen allele CA5818453.

ClinVar aggregate classification (germline): Uncertain significance (1 of 4 stars; one submission).

Conditions:
TH-deficient dopa-responsive dystonia. Also called: Tyrosine Hydroxylase-Deficient Dopa-Responsive Dystonia; Segawa syndrome, autosomal recessive; DYT-TH. Identifiers: Orphanet 101150, MedGen C2673535, MONDO:0011551, OMIM 605407.

Allele frequency attached by ClinVar (database versions not stated): gnomAD 0.00001; ExAC 0.00008.

Submission:

Labcorp Genetics (formerly Invitae), Labcorp
Classification: Uncertain significance for TH-deficient dopa-responsive dystonia. Last evaluated: 2021-12-13. Review status: criteria provided, single submitter. Criteria: Invitae Variant Classification Sherloc (09022015). Collection method: clinical testing. Allele origin: germline.
Comment: This sequence change replaces arginine, which is basic and polar, with tryptophan, which is neutral and slightly polar, at codon 319 of the TH protein (p.Arg319Trp). This variant is present in population databases (rs773399254, gnomAD 0.04%). This variant has not been reported in the literature in individuals affected with TH-related conditions. Advanced modeling of protein sequence and biophysical properties (such as structural, functional, and spatial information, amino acid conservation, physicochemical variation, residue mobility, and thermodynamic stability) performed at Invitae indicates that this missense variant is expected to disrupt TH protein function. In summary, the available evidence is currently insufficient to determine the role of this variant in disease. Therefore, it has been classified as a Variant of Uncertain Significance.